The following is an entry in ClinVar:

NM_015114.3(ANKLE2):c.1678A>G (p.Arg560Gly)

Gene: ANKLE2 (ankyrin repeat and LEM domain containing 2; minus strand). Cytogenetic location: 12q24.33.
Variant type: single nucleotide variant.
Coding change: c.1678A>G on transcript NM_015114.3 (MANE Select); coding-DNA position 1678, A replaced by G.
Protein change: p.Arg560Gly; replaces arginine 560 with glycine.
Molecular consequence: missense variant.
Genome position (GRCh38, 1-based): chr12:132,735,428, T>C on the plus strand (A>G on the coding strand, the complement: ANKLE2 is on the minus strand). VCF-style: chr12-132735428-T-C. GRCh37 (hg19) VCF-style: chr12-133312014-T-C.
Other names: short protein forms R560G.
Identifiers: ClinVar variation 1313753 (VCV001313753.2), dbSNP rs1456197717, ClinGen allele CA387353744.

ClinVar aggregate classification (germline): Uncertain significance (1 of 4 stars; one submission).

Allele frequency attached by ClinVar (database versions not stated): gnomAD exomes below 0.00001; TOPMed below 0.00001; gnomAD 0.00001.
gnomAD v4.1: 4 of 1,614,032 alleles (0.00025%); highest among the groups gnomAD compares: Admixed American, 0.0033%; no homozygotes.

Submission:

GeneDx
Classification: Uncertain significance. Last evaluated: 2020-12-28. Review status: criteria provided, single submitter. Criteria: GeneDx Variant Classification Process June 2021. Collection method: clinical testing. Allele origin: germline. Affected: yes.
Comment: Not observed in large population cohorts (Lek et al., 2016); In silico analysis supports that this missense variant has a deleterious effect on protein structure/function; Has not been previously published as pathogenic or benign to our knowledge